The following is an entry in ClinVar:

ClinVar aggregate classification (germline): Uncertain significance (1 of 4 stars; one submission).

Allele frequency attached by ClinVar (database versions not stated): gnomAD 0.00005; ExAC 0.00009.
gnomAD v4.1: 56 of 1,541,110 alleles (0.0036%); highest among the groups gnomAD compares: Non-Finnish European, 0.0049%; no homozygotes.

Submission:

Labcorp Genetics (formerly Invitae), Labcorp
Classification: Uncertain significance. Last evaluated: 2025-09-15. Review status: criteria provided, single submitter. Criteria: Invitae Variant Classification Sherloc (09022015). Collection method: clinical testing. Allele origin: germline.
Comment: This sequence change replaces alanine, which is neutral and non-polar, with proline, which is neutral and non-polar, at codon 227 of the DGKZ protein (p.Ala227Pro). This variant is present in population databases (rs755996746, gnomAD 0.01%). This variant has not been reported in the literature in individuals affected with DGKZ-related conditions. ClinVar contains an entry for this variant (Variation ID: 2151148). An algorithm developed to predict the effect of missense changes on protein structure and function (PolyPhen-2) suggests that this variant is likely to be disruptive. In summary, the available evidence is currently insufficient to determine the role of this variant in disease. Therefore, it has been classified as a Variant of Uncertain Significance.

NM_001199267.2(DGKZ):c.162-356G>C

Gene: DGKZ (diacylglycerol kinase zeta; plus strand). Cytogenetic location: 11p11.2.
Variant type: single nucleotide variant.
Coding change: c.162-356G>C on transcript NM_001199267.2 (MANE Select); 356 bases into the intron before coding-DNA position 162, G replaced by C.
Molecular consequence: intron variant. On other transcripts: missense variant (1).
Genome position (GRCh38, 1-based): chr11:46,366,935, G>C. VCF-style: chr11-46366935-G-C. GRCh37 (hg19) VCF-style: chr11-46388485-G-C.
Other names: c.679G>C, p.Ala227Pro (NM_001105540.2); c.213-356G>C (NM_201532.3); c.177-356G>C (NM_201533.3); c.162-356G>C (NM_001199266.2, NM_003646.4, NM_001199268.2); short protein forms A227P.
Identifiers: ClinVar variation 2151148 (VCV002151148.4), dbSNP rs755996746, ClinGen allele CA5962207.